The following is an entry in ClinVar:

NM_001130438.3(SPTAN1):c.3967A>G (p.Ser1323Gly)

Gene: SPTAN1 (spectrin alpha, non-erythrocytic 1; plus strand). Cytogenetic location: 9q34.11.
Variant type: single nucleotide variant.
Coding change: c.3967A>G on transcript NM_001130438.3 (MANE Select); coding-DNA position 3967, A replaced by G.
Protein change: p.Ser1323Gly; replaces serine 1323 with glycine.
Molecular consequence: missense variant.
Genome position (GRCh38, 1-based): chr9:128,605,398, A>G. VCF-style: chr9-128605398-A-G. GRCh37 (hg19) VCF-style: chr9-131367677-A-G.
Other names: p.S1323G:AGC>GGC; c.3907A>G, p.Ser1303Gly (NM_001195532.2, NM_001363765.2); c.3967A>G, p.Ser1323Gly (NM_001363759.2, NM_003127.4); short protein forms S1323G, S1303G.
Identifiers: ClinVar variation 207285 (VCV000207285.1), dbSNP rs796053307, ClinGen allele CA318607.

ClinVar aggregate classification (germline): Likely benign (1 of 4 stars; one submission).

Allele frequency attached by ClinVar (database versions not stated): gnomAD exomes below 0.00001.
gnomAD v4.1: 1 of 1,614,248 alleles (0.000062%); highest among the groups gnomAD compares: Non-Finnish European, 0.000085%; no homozygotes.

Submission:

GeneDx
Classification: Likely benign. Last evaluated: 2014-03-04. Review status: criteria provided, single submitter. Criteria: GeneDx Variant Classification (06012015). Collection method: clinical testing. Allele origin: germline. Affected: yes.
Comment: This variant is considered likely benign or benign based on one or more of the following criteria: it is a conservative change, it occurs at a poorly conserved position in the protein, it is predicted to be benign by multiple in silico algorithms, and/or has population frequency not consistent with disease.